The following is an entry in ClinVar:

NM_003072.5(SMARCA4):c.1837A>G (p.Ser613Gly)

Gene: SMARCA4 (SWI/SNF related BAF chromatin remodeling complex subunit ATPase 4; plus strand). Cytogenetic location: 19p13.2.
Variant type: single nucleotide variant.
Coding change: c.1837A>G on transcript NM_003072.5 (MANE Select); coding-DNA position 1837, A replaced by G.
Protein change: p.Ser613Gly; replaces serine 613 with glycine.
Molecular consequence: missense variant. On other transcripts: non-coding transcript variant (1).
Genome position (GRCh38, 1-based): chr19:11,003,053, A>G. VCF-style: chr19-11003053-A-G. GRCh37 (hg19) VCF-style: chr19-11113729-A-G.
Other names: c.1837A>G, p.Ser613Gly (NM_001128844.3, NM_001128845.2, NM_001128846.2 and 6 more transcripts); short protein forms S613G.
Identifiers: ClinVar variation 1781055 (VCV001781055.3), dbSNP rs2146095150, ClinGen allele CA404051439.

ClinVar aggregate classification (germline): Uncertain significance (1 of 4 stars; one submission).

Conditions:
Hereditary cancer-predisposing syndrome. Also called: Neoplastic Syndromes, Hereditary; Tumor predisposition; Hereditary Cancer Syndrome; Hereditary neoplastic syndrome. Identifiers: Orphanet 140162, MedGen C0027672, MeSH D009386, MONDO:0015356.

Submission:

Ambry Genetics
Classification: Uncertain significance for Hereditary cancer-predisposing syndrome. Last evaluated: 2024-11-21. Review status: criteria provided, single submitter. Criteria: Ambry Variant Classification Scheme 2023. Collection method: clinical testing. Allele origin: germline.
Comment: The p.S613G variant (also known as c.1837A>G), located in coding exon 11 of the SMARCA4 gene, results from an A to G substitution at nucleotide position 1837. The serine at codon 613 is replaced by glycine, an amino acid with similar properties. This amino acid position is highly conserved in available vertebrate species. In addition, the in silico prediction for this alteration is inconclusive. Based on the available evidence, the clinical significance of this variant remains unclear.